The following is an entry in ClinVar:

NM_001114753.3(ENG):c.1292C>T (p.Ser431Leu)

Genes: ENG (endoglin; minus strand), LOC102723566 (uncharacterized LOC102723566; plus strand). Cytogenetic location: 9q34.11.
Variant type: single nucleotide variant.
Coding change: c.1292C>T on transcript NM_001114753.3 (MANE Select); coding-DNA position 1292, C replaced by T.
Protein change: p.Ser431Leu; replaces serine 431 with leucine.
Molecular consequence: missense variant.
Genome position (GRCh38, 1-based): chr9:127,819,641, G>A on the plus strand (C>T on the coding strand, the complement: ENG is on the minus strand). VCF-style: chr9-127819641-G-A. GRCh37 (hg19) VCF-style: chr9-130581920-G-A.
Other names: c.1292C>T, p.Ser431Leu (NM_000118.4); c.746C>T, p.Ser249Leu (NM_001278138.2); short protein forms S431L, S249L.
Identifiers: ClinVar variation 1361304 (VCV001361304.9), dbSNP rs761353511, ClinGen allele CA5252819.
Genomic context (GRCh38, chr9:127,819,641, plus strand): 5'-CCCCTGGGCCAGGTGGGTTAGCACGTGACTGTCCATCTCACCCGCTGTGGTGATGAGCTC[G>A]ACAGGATATTGACCACCGCCTGCGGGGATAAAGCCAGGGAGCTGGTCAGAGCCAGAAAGG-3'
Protein context (NP_001108225.1, residues 421-441): ISNEAVVNIL[Ser431Leu]SSSPQRKKVH

ClinVar aggregate classification (germline): Uncertain significance (1 of 4 stars; one submission).

Conditions:
Hereditary hemorrhagic telangiectasia (HHT). Also called: ORW DISEASE; Osler Weber Rendu syndrome; OSLER-RENDU-WEBER DISEASE; Osler hemorrhagic telangiectasia syndrome. Identifiers: Orphanet 774, MedGen C0039445, MONDO:0019180. Disease mechanism: loss of function.

Allele frequency attached by ClinVar (database versions not stated): gnomAD exomes below 0.00001; TOPMed below 0.00001; ExAC 0.00001.
gnomAD v4.1: 4 of 1,612,290 alleles (0.00025%); highest among the groups gnomAD compares: East Asian, 0.0022%; no homozygotes.

Submission:

Labcorp Genetics (formerly Invitae), Labcorp
Classification: Uncertain significance for Hereditary hemorrhagic telangiectasia. Last evaluated: 2021-05-25. Review status: criteria provided, single submitter. Criteria: Invitae Variant Classification Sherloc (09022015). Collection method: clinical testing. Allele origin: germline.
Comment: In summary, the available evidence is currently insufficient to determine the role of this variant in disease. Therefore, it has been classified as a Variant of Uncertain Significance. Algorithms developed to predict the effect of missense changes on protein structure and function (SIFT, PolyPhen-2, Align-GVGD) all suggest that this variant is likely to be tolerated, but these predictions have not been confirmed by published functional studies and their clinical significance is uncertain. This variant has not been reported in the literature in individuals with ENG-related conditions. This variant is present in population databases (rs761353511, ExAC 0.007%). This sequence change replaces serine with leucine at codon 431 of the ENG protein (p.Ser431Leu). The serine residue is moderately conserved and there is a large physicochemical difference between serine and leucine.